The following is an entry in ClinVar:

NM_001034853.2(RPGR):c.248-7T>G

Gene: RPGR (retinitis pigmentosa GTPase regulator; minus strand). Cytogenetic location: Xp11.4.
Variant type: single nucleotide variant.
Coding change: c.248-7T>G on transcript NM_001034853.2 (MANE Select); 7 bases into the intron before coding-DNA position 248, T replaced by G.
Molecular consequence: intron variant.
Genome position (GRCh38, 1-based): chrX:38,321,096, A>C on the plus strand (T>G on the coding strand, the complement: RPGR is on the minus strand). VCF-style: chrX-38321096-A-C. GRCh37 (hg19) VCF-style: chrX-38180349-A-C.
Other names: c.248-7T>G (NM_001367249.1, NM_001367250.1, NM_001367245.1 and 4 more transcripts); c.278-7T>G (NM_001367248.1).
Identifiers: ClinVar variation 2636946 (VCV002636946.1), dbSNP rs772049733, ClinGen allele CA2695200173.

ClinVar aggregate classification (germline): Uncertain significance (1 of 4 stars; one submission).

Conditions:
RPGR-related disorder. Also called: RPGR-related condition.

Submission:

PreventionGenetics, part of Exact Sciences
Classification: Uncertain significance for RPGR-related condition. Last evaluated: 2022-10-07. Review status: criteria provided, single submitter. Criteria: ACMG Guidelines, 2015. Collection method: clinical testing. Allele origin: germline.
Comment: The RPGR c.248-7T>G variant is predicted to interfere with splicing. This variant is predicted to both decrease the strength of the nearby canonical splice site and increase the strength of a cryptic splice site (Alamut Visual v2.11); however, the use of computer prediction programs is not equivalent to functional evidence. To our knowledge, this variant has not been reported in the literature or in a large population database, indicating this variant is rare. Of note, a variant of the adjacent nucleotide, c.248-6T>A, has been reported in an individual with retinitis pigmentosa (reported as IVS3-6T>A in Sharon et al. 2000. PubMed ID: 10937588). Although we suspect that c.248-7T>G may be pathogenic, at this time, the clinical significance of this variant is uncertain due to the absence of conclusive functional and genetic evidence.